The following is an entry in ClinVar:

NM_005120.3(MED12):c.6440A>G (p.Gln2147Arg)

Gene: MED12 (mediator complex subunit 12; plus strand). Cytogenetic location: Xq13.1.
Variant type: single nucleotide variant.
Coding change: c.6440A>G on transcript NM_005120.3 (MANE Select); coding-DNA position 6440, A replaced by G.
Protein change: p.Gln2147Arg; replaces glutamine 2147 with arginine.
Molecular consequence: missense variant.
Genome position (GRCh38, 1-based): chrX:71,141,914, A>G. VCF-style: chrX-71141914-A-G. GRCh37 (hg19) VCF-style: chrX-70361764-A-G.
Other names: short protein forms Q2147R.
Identifiers: ClinVar variation 4879827 (VCV004879827.1).

ClinVar aggregate classification (germline): Uncertain significance (1 of 4 stars; one submission).

Conditions:
MED12-related intellectual disability syndrome. Identifiers: MedGen CN305246, MONDO:0100000.

Submission:

Victorian Clinical Genetics Services, Murdoch Childrens Research Institute
Classification: Uncertain significance for MED12-related intellectual disability syndrome. Last evaluated: 2026-07-16. Review status: criteria provided, single submitter. Criteria: ACMG Guidelines, 2015. Collection method: clinical testing. Allele origin: germline. Affected: yes.
Comment: This variant is classified as VUS-3A. Evidence in support of pathogenic classification: Variant is absent from gnomAD (v4); Another missense variant comparable to the one identified in this case has limited previous evidence for pathogenicity. An alternative change, p.(Gln2147Lys), has been classified as likely pathogenic in ClinVar. Additional information: Variant is predicted to result in a missense amino acid change from Gln to Arg; This variant is hemizygous; This gene is associated with X-linked disease; Previous evidence of pathogenicity for this variant is inconclusive. This variant has been reported in the literature in a cohort of individuals with intellectual disability, however further patient-specific information was not provided (PMID: 37480025); Segregation evidence for this variant is inconclusive. No published functional evidence has been identified for this variant; Variant is not located in an established domain, motif, hotspot or informative constraint region; Missense variant with inconclusive in silico prediction and/or uninformative conservation; Loss of function is a known mechanism of disease in this gene and is associated with MED12-related intellectual disability syndrome (MONDO:0100000), and Hardikar syndrome (MIM#301068); Inheritance information for this variant is not currently available in this individual.

Literature cited by the submitters: PubMed 37480025.